The following is an entry in ClinVar:

NM_001927.4(DES):c.1106G>T (p.Arg369Leu)

Gene: DES (desmin; plus strand). Cytogenetic location: 2q35.
Variant type: single nucleotide variant.
Coding change: c.1106G>T on transcript NM_001927.4 (MANE Select); coding-DNA position 1106, G replaced by T.
Protein change: p.Arg369Leu; replaces arginine 369 with leucine.
Molecular consequence: missense variant. On other transcripts: intron variant (1).
Genome position (GRCh38, 1-based): chr2:219,421,422, G>T. VCF-style: chr2-219421422-G-T. GRCh37 (hg19) VCF-style: chr2-220286144-G-T.
Other names: c.1103G>T, p.Arg368Leu (NM_001382708.1); c.1037G>T, p.Arg346Leu (NM_001382710.1); c.1085G>T, p.Arg362Leu (NM_001382711.1); c.1106G>T, p.Arg369Leu (NM_001382712.1); c.836G>T, p.Arg279Leu (NM_001382713.1); c.736-62G>T (NM_001382709.1); c.1106G>T (NM_001927.3); short protein forms R279L, R346L, R362L, R368L, R369L.
Identifiers: ClinVar variation 1054121 (VCV001054121.13), dbSNP rs1168604493, ClinGen allele CA350694260.
Genomic context (GRCh38, chr2:219,421,422, plus strand): 5'-TGCGGGAATTGGAGGACCGATTTGCCAGTGAGGCCAGTGGCTACCAGGACAACATTGCGC[G>T]CCTGGAGGAGGAAATCCGGCACCTCAAGGATGAGATGGCCCGCCATCTGCGCGAGTACCA-3'
Protein context (NP_001918.3, residues 359-379): EASGYQDNIA[Arg369Leu]LEEEIRHLKD

ClinVar aggregate classification (germline): Uncertain significance. Review status: criteria provided, multiple submitters, no conflicts (2 of 4 stars). 4 submissions from 4 submitters: Uncertain significance (4). Last evaluated 2026-01-16.

Conditions:
Desmin-related myofibrillar myopathy (MFM1). Also called: Desminopathy; MYOFIBRILLAR MYOPATHY WITH ARRHYTHMOGENIC RIGHT VENTRICULAR CARDIOMYOPATHY; DESMIN-RELATED MYOPATHY WITH ARRHYTHMOGENIC RIGHT VENTRICULAR CARDIOMYOPATHY; Desmin related myopathy (former name); Desmin storage myopathy (former name); Myofibrillar myopathy 1. Identifiers: Orphanet 363543, Orphanet 98909, MedGen C1832370, MONDO:0011076, OMIM 601419.
Cardiovascular phenotype. Identifiers: MedGen CN230736.

gnomAD v4.1: 7 of 1,614,076 alleles (0.00043%); highest among the groups gnomAD compares: Middle Eastern, 0.016%; no homozygotes.

Submissions (4):

Women's Health and Genetics/Laboratory Corporation of America, LabCorp
Classification: Uncertain significance. Last evaluated: 2026-01-16. Review status: criteria provided, single submitter. Criteria: LabCorp Variant Classification Summary - May 2015. Collection method: clinical testing. Allele origin: germline.

Ambry Genetics
Classification: Uncertain significance for Cardiovascular phenotype. Last evaluated: 2025-09-21. Review status: criteria provided, single submitter. Criteria: Ambry Variant Classification Scheme 2023. Collection method: clinical testing. Allele origin: germline.
Comment: The p.R369L variant (also known as c.1106G>T), located in coding exon 6 of the DES gene, results from a G to T substitution at nucleotide position 1106. The arginine at codon 369 is replaced by leucine, an amino acid with dissimilar properties. This amino acid position is conserved. In addition, this alteration is predicted to be deleterious by in silico analysis. Based on the available evidence, the clinical significance of this variant remains unclear.

Blueprint Genetics
Classification: Uncertain significance. Last evaluated: 2024-10-01. Review status: criteria provided, single submitter. Criteria: ACMG Guidelines, 2015. Collection method: clinical testing. Allele origin: germline.

Labcorp Genetics (formerly Invitae), Labcorp
Classification: Uncertain significance for Desmin-related myofibrillar myopathy. Last evaluated: 2023-12-07. Review status: criteria provided, single submitter. Criteria: Invitae Variant Classification Sherloc (09022015). Collection method: clinical testing. Allele origin: germline.
Comment: This sequence change replaces arginine, which is basic and polar, with leucine, which is neutral and non-polar, at codon 369 of the DES protein (p.Arg369Leu). This variant is not present in population databases (gnomAD no frequency). This variant has not been reported in the literature in individuals affected with DES-related conditions. ClinVar contains an entry for this variant (Variation ID: 1054121). Advanced modeling of protein sequence and biophysical properties (such as structural, functional, and spatial information, amino acid conservation, physicochemical variation, residue mobility, and thermodynamic stability) has been performed at Invitae for this missense variant, however the output from this modeling did not meet the statistical confidence thresholds required to predict the impact of this variant on DES protein function. In summary, the available evidence is currently insufficient to determine the role of this variant in disease. Therefore, it has been classified as a Variant of Uncertain Significance.